The following is an entry in ClinVar:

ClinVar aggregate classification (germline): Pathogenic (1 of 4 stars; one submission).

Conditions:
Mucopolysaccharidosis, MPS-II (MPS2). Also called: Hunter Syndrome; IDURONATE 2-SULFATASE DEFICIENCY; Mucopolysaccharidosis Type II; Mucopolysaccharidosis type 2; Attenuated MPS (subtype; formerly known as mild MPS II); Severe MPS II. Identifiers: Orphanet 580, Orphanet 79388, MedGen C0026705, MONDO:0010674, OMIM 309900.

Submission:

Laboratory of Diagnosis and Therapy of Lysosomal Disorders, University of Padova
Classification: Pathogenic for Mucopolysaccharidosis, MPS-II. Last evaluated: 2024-06-07. Review status: criteria provided, single submitter. Criteria: ACMG Guidelines, 2015. Collection method: literature only. Allele origin: germline. Affected: yes. Observed: 1 variant allele.
Comment: Null variant (PVS1_VeryStrong), Absent from controls (or at low frequency) in gnomAD database (PM2_Moderate), Patient’s phenotype or family history highly specific for the disease (PP4_Moderate)

Classification method: ACMG Guidelines [PMID:25741868] with modifications

Literature cited by the submitters: PubMed 12655569; PubMed 21291454.

NM_000202.8(IDS):c.637A>T (p.Lys213Ter)

Genes: IDS (iduronate 2-sulfatase; minus strand), LOC106050102 (IDS recombination region; plus strand). Cytogenetic location: Xq28.
Variant type: single nucleotide variant.
Coding change: c.637A>T on transcript NM_000202.8 (MANE Select); coding-DNA position 637, A replaced by T.
Protein change: p.Lys213Ter; replaces lysine 213 with a stop codon.
Molecular consequence: nonsense. On other transcripts: non-coding transcript variant (1).
Genome position (GRCh38, 1-based): chrX:149,498,178, T>A on the plus strand (A>T on the coding strand, the complement: IDS is on the minus strand). VCF-style: chrX-149498178-T-A. GRCh37 (hg19) VCF-style: chrX-148579709-T-A.
Other names: c.367A>T, p.Lys123Ter (NM_001166550.4); c.637A>T, p.Lys213Ter (NM_006123.5); short protein forms K123*, K213*.
Identifiers: ClinVar variation 3255784 (VCV003255784.2).